The following is an entry in ClinVar:

NM_006031.6(PCNT):c.6882T>C (p.Ser2294=)

Gene: PCNT (pericentrin; plus strand). Cytogenetic location: 21q22.3.
Variant type: single nucleotide variant.
Coding change: c.6882T>C on transcript NM_006031.6 (MANE Select); coding-DNA position 6882, T replaced by C.
Protein change: p.Ser2294=; no amino-acid change (serine 2294 retained).
Molecular consequence: synonymous variant.
Genome position (GRCh38, 1-based): chr21:46,416,800, T>C. VCF-style: chr21-46416800-T-C. GRCh37 (hg19) VCF-style: chr21-47836714-T-C.
Other names: c.6528T>C, p.Ser2176= (NM_001315529.2); c.6882T>C (NM_006031.5).
Identifiers: ClinVar variation 2195530 (VCV002195530.7), dbSNP rs754922467, ClinGen allele CA10080430.
Genomic context (GRCh38, chr21:46,416,800, plus strand): 5'-GGGGCTGCTTTGTTCCCCAGGCGTGTCTGCAGCAGCGCTGGCACTGCAGTGGGCCGAGTC[T>C]CCGCCGGCTGACGACCACCATGTGCAGAGGACGGCTGTGGTAGGTGCCTGCTCTGCTCCC-3'
Protein context (NP_006022.3, residues 2284-2304): AAALALQWAE[Ser2294=]PPADDHHVQR

ClinVar aggregate classification (germline): Likely benign. Review status: criteria provided, multiple submitters, no conflicts (2 of 4 stars). 3 submissions from 3 submitters: Likely benign (2). 1 of the submissions does not count toward it. Last evaluated 2025-10-21.

Conditions:
PCNT-related disorder. Also called: PCNT-related condition.

Allele frequency attached by ClinVar (database versions not stated): gnomAD 0.00005; gnomAD exomes 0.00005; TOPMed 0.00005; ExAC 0.00008.
gnomAD v4.1: 82 of 1,599,886 alleles (0.0051%); highest among the groups gnomAD compares: Middle Eastern, 0.017%; no homozygotes.

Submissions (3):

Labcorp Genetics (formerly Invitae), Labcorp
Classification: Likely benign. Last evaluated: 2025-10-21. Review status: criteria provided, single submitter. Criteria: Invitae Variant Classification Sherloc (09022015). Collection method: clinical testing. Allele origin: germline.

Blueprint Genetics
Classification: Likely benign. Last evaluated: 2024-10-16. Review status: criteria provided, single submitter. Criteria: ACMG Guidelines, 2015. Collection method: clinical testing. Allele origin: germline.

PreventionGenetics, part of Exact Sciences
Classification: Likely benign for PCNT-related condition. Last evaluated: 2021-08-25. Review status: no assertion criteria provided. Collection method: clinical testing. Allele origin: germline. Not counted in ClinVar's aggregate classification.
Comment: This variant is classified as likely benign based on ACMG/AMP sequence variant interpretation guidelines (Richards et al. 2015 PMID: 25741868, with internal and published modifications).